The following is an entry in ClinVar:

NM_015311.3(OBSL1):c.3106del (p.Val1036fs)

Gene: OBSL1 (obscurin like cytoskeletal adaptor 1; minus strand). Cytogenetic location: 2q35.
Variant type: Deletion.
Coding change: c.3106del on transcript NM_015311.3 (MANE Select); coding-DNA position 3106, one base deleted (G; older notation c.3106delG).
Protein change: p.Val1036fs; shifts the reading frame from valine 1036.
Molecular consequence: frameshift variant.
Genome position (GRCh38, 1-based): chr2:219,559,345, C deleted on the plus strand (G on the coding strand, the reverse complement: OBSL1 is on the minus strand); the first of 2 consecutive C bases (chr2:219,559,345-219,559,346); deleting either gives the same sequence. VCF-style (leftmost placement, unchanged base first): chr2-219559344-AC-A. GRCh37 (hg19) VCF-style: chr2-220424066-AC-A.
Other names: c.3106del, p.Val1036fs (NM_001173431.2); short protein forms V1036fs.
Identifiers: ClinVar variation 2637375 (VCV002637375.1), dbSNP rs2546247239, ClinGen allele CA2695197693.

ClinVar aggregate classification (germline): Likely pathogenic (1 of 4 stars; one submission).

Conditions:
OBSL1-related disorder. Also called: OBSL1-related condition.

Submission:

PreventionGenetics, part of Exact Sciences
Classification: Likely pathogenic for OBSL1-related condition. Last evaluated: 2022-09-09. Review status: criteria provided, single submitter. Criteria: ACMG Guidelines, 2015. Collection method: clinical testing. Allele origin: germline.
Comment: The OBSL1 c.3106delG variant is predicted to result in a frameshift and premature protein termination (p.Val1036Cysfs*103). To our knowledge, this variant has not been reported in the literature or in a large population database, indicating this variant is rare. Frameshift variants in OBSL1 are expected to be pathogenic. This variant is interpreted as likely pathogenic.